The following is an entry in ClinVar:

NM_001061.7(TBXAS1):c.1345G>A (p.Glu449Lys)

Gene: TBXAS1 (thromboxane A synthase 1; plus strand). Cytogenetic location: 7q34.
Variant type: single nucleotide variant.
Coding change: c.1345G>A on transcript NM_001061.7 (MANE Select); coding-DNA position 1345, G replaced by A.
Protein change: p.Glu449Lys; replaces glutamic acid 449 with lysine.
Molecular consequence: missense variant.
Genome position (GRCh38, 1-based): chr7:140,015,841, G>A. VCF-style: chr7-140015841-G-A. GRCh37 (hg19) VCF-style: chr7-139715641-G-A.
Other names: p.Glu495Lys; c.1345G>A, p.Glu449Lys (NM_001130966.5, NM_030984.6); c.1483G>A, p.Glu495Lys (NM_001166253.4); c.1144G>A, p.Glu382Lys (NM_001166254.4); c.1288G>A, p.Glu430Lys (NM_001314028.4); c.1162G>A, p.Glu388Lys (NM_001366537.3); c.1483G>A (NM_001166253.3); short protein forms E382K, E449K, E495K, E388K, E430K.
Identifiers: ClinVar variation 498515 (VCV000498515.14), dbSNP rs8192868, ClinGen allele CA4511996.

ClinVar aggregate classification (germline): Benign. Review status: criteria provided, multiple submitters, no conflicts (2 of 4 stars). 4 submissions from 4 submitters: Benign (4). Last evaluated 2026-02-02.

Allele frequency attached by ClinVar (database versions not stated): 1000 Genomes Project 30x 0.00765; 1000 Genomes Project 0.00839; TOPMed 0.01185; gnomAD 0.01306 and 0.01326; gnomAD exomes 0.01403 and 0.01941; ExAC 0.01461; ESP Exome Variant Server 0.01638.
gnomAD v4.1: 30,323 of 1,613,850 alleles (1.9%); highest among the groups gnomAD compares: Non-Finnish European, 2.2%; 300 homozygotes.

Submissions (4):

Labcorp Genetics (formerly Invitae), Labcorp
Classification: Benign. Last evaluated: 2026-02-02. Review status: criteria provided, single submitter. Criteria: Invitae Variant Classification Sherloc (09022015). Collection method: clinical testing. Allele origin: germline.

Mayo Clinic Laboratories, Mayo Clinic
Classification: Benign. Last evaluated: 2025-06-16. Review status: criteria provided, single submitter. Criteria: ACMG Guidelines, 2015. Collection method: clinical testing. Allele origin: germline. Observed: 17 variant alleles.
Comment: BS1, BS2, PM1

Eurofins Ntd Llc (ga)
Classification: Benign. Last evaluated: 2016-12-13. Review status: criteria provided, single submitter. Criteria: EGL Classification Definitions 2015. Collection method: clinical testing. Allele origin: germline. Observed: 1 variant allele, 1 heterozygote.

Breakthrough Genomics
Classification: Benign. Review status: criteria provided, single submitter. Criteria: ACMG Guidelines, 2015. Collection method: not provided. Allele origin: germline. Inheritance: Autosomal recessive inheritance. Affected: yes.

Literature cited by the submitters: PubMed 22735388 (cited by Mayo Clinic Laboratories, Mayo Clinic).